The following is an entry in ClinVar:

ClinVar aggregate classification (germline): Uncertain significance (1 of 4 stars; one submission).

Submission:

GeneDx
Classification: Uncertain significance. Last evaluated: 2016-11-23. Review status: criteria provided, single submitter. Criteria: GeneDx Variant Classification (06012015). Collection method: clinical testing. Allele origin: germline. Affected: yes.
Comment: The D232H variant in the ASB18 gene has not been reported previously as a pathogenic variant, nor as a benign variant, to our knowledge. Sufficient data from control individuals in the NHLBI Exome Sequencing Project and Exome Aggregation Consortium data sets were not available to assess whether the D232H variant may be a common benign variant in the general population; however, this variant has not been detected at any significant frequency previously in the internal database at GeneDx. The D232H variant is a non-conservative amino acid substitution, which is likely to impact secondary protein structure as these residues differ in polarity, charge, size and/or other properties. However, this substitution occurs at a position that is not conserved across species, and in silico analysis is inconsistent in its predictions as to whether or not the variant is damaging to the protein structure/function. We interpret D232H as a variant of uncertain significance.

NM_212556.4(ASB18):c.694G>C (p.Asp232His)

Gene: ASB18 (ankyrin repeat and SOCS box containing 18; minus strand). Cytogenetic location: 2q37.2.
Variant type: single nucleotide variant.
Coding change: c.694G>C on transcript NM_212556.4 (MANE Select); coding-DNA position 694, G replaced by C.
Protein change: p.Asp232His; replaces aspartic acid 232 with histidine.
Molecular consequence: missense variant.
Genome position (GRCh38, 1-based): chr2:236,214,769, C>G on the plus strand (G>C on the coding strand, the complement: ASB18 is on the minus strand). VCF-style: chr2-236214769-C-G. GRCh37 (hg19) VCF-style: chr2-237123412-C-G.
Other names: short protein forms D232H.
Identifiers: ClinVar variation 373440 (VCV000373440.1), dbSNP rs1057518421, ClinGen allele CA16042405.